The following is an entry in ClinVar:

NM_004415.4(DSP):c.4471G>A (p.Asp1491Asn)

Gene: DSP (desmoplakin; plus strand). Cytogenetic location: 6p24.3.
Variant type: single nucleotide variant.
Coding change: c.4471G>A on transcript NM_004415.4 (MANE Select); coding-DNA position 4471, G replaced by A.
Protein change: p.Asp1491Asn; replaces aspartic acid 1491 with asparagine.
Molecular consequence: missense variant. On other transcripts: intron variant (2).
Genome position (GRCh38, 1-based): chr6:7,580,661, G>A. VCF-style: chr6-7580661-G-A. GRCh37 (hg19) VCF-style: chr6-7580894-G-A.
Other names: c.4050+421G>A (NM_001319034.2); c.3582+889G>A (NM_001008844.3); short protein forms D1491N.
Identifiers: ClinVar variation 835744 (VCV000835744.15), dbSNP rs768402359, ClinGen allele CA041630.

ClinVar aggregate classification (germline): Conflicting classifications of pathogenicity. Review status: criteria provided, conflicting classifications (1 of 4 stars). 4 submissions from 4 submitters: Uncertain significance (3); Likely benign (1). Last evaluated 2025-09-27.

Conditions:
Cardiovascular phenotype. Identifiers: MedGen CN230736.
Cardiomyopathy (CMYO). Also called: Cardiomyopathies. Identifiers: Orphanet 167848, MedGen C0878544, MONDO:0004994, HP:0001638. Inheritance: Various modes of inheritance.
Arrhythmogenic cardiomyopathy with wooly hair and keratoderma. Also called: PALMOPLANTAR KERATODERMA WITH LEFT VENTRICULAR CARDIOMYOPATHY AND WOOLLY HAIR; Carvajal syndrome; Dilated cardiomyopathy with woolly hair and keratoderma; Arrhythmogenic cardiomyopathy with woolly hair and keratoderma. Identifiers: Orphanet 65282, MedGen C1854063, MONDO:0011581, OMIM 605676.
Arrhythmogenic right ventricular dysplasia 8 (ARVD8). Also called: ARRHYTHMOGENIC RIGHT VENTRICULAR DYSPLASIA, FAMILIAL, 8; Arrhythmogenic Right Ventricular Dysplasia/Cardiomyopathy 8; ARRHYTHMOGENIC RIGHT VENTRICULAR CARDIOMYOPATHY 8. Identifiers: MedGen C1843896, MONDO:0011831, OMIM 607450.

Allele frequency attached by ClinVar (database versions not stated): gnomAD exomes 0.00001 and 0.00002; TOPMed 0.00001; ExAC 0.00002.
gnomAD v4.1: 15 of 1,614,008 alleles (0.00093%); highest among the groups gnomAD compares: East Asian, 0.0045%; no homozygotes.

Submissions (4):

Labcorp Genetics (formerly Invitae), Labcorp
Classification: Likely benign for Arrhythmogenic cardiomyopathy with wooly hair and keratoderma; Arrhythmogenic right ventricular dysplasia 8. Last evaluated: 2025-09-27. Review status: criteria provided, single submitter. Criteria: Invitae Variant Classification Sherloc (09022015). Collection method: clinical testing. Allele origin: germline.

All of Us Research Program, National Institutes of Health
Classification: Uncertain significance for Arrhythmogenic cardiomyopathy with wooly hair and keratoderma. Last evaluated: 2023-12-01. Review status: criteria provided, single submitter. Criteria: ACMG Guidelines, 2015. Collection method: clinical testing. Allele origin: germline. Inheritance: Autosomal dominant inheritance. Observed: 2 variant alleles, 2 heterozygotes.
Comment: This missense variant replaces aspartic acid with asparagine at codon 1491 of the DSP protein. Computational prediction suggests that this variant may not impact protein structure and function (internally defined REVEL score threshold <= 0.5, PMID: 27666373). To our knowledge, functional studies have not been reported for this variant. This variant has not been reported in individuals affected with DSP-related disorders in the literature. This variant has been identified in 5/249782 chromosomes in the general population by the Genome Aggregation Database (gnomAD). The available evidence is insufficient to determine the role of this variant in disease conclusively. Therefore, this variant is classified as a Variant of Uncertain Significance.

This study involves interpretation of variants in research participants for the purpose of population health screening. Participant phenotype was not available at the time of variant classification. Additional details can be found in publication PMID: 35346344, PMCID: PMC8962531

Color Diagnostics, LLC DBA Color Health
Classification: Uncertain significance for Cardiomyopathy. Last evaluated: 2023-02-08. Review status: criteria provided, single submitter. Criteria: ACMG Guidelines, 2015. Collection method: clinical testing. Allele origin: germline.
Comment: This missense variant replaces aspartic acid with asparagine at codon 1491 of the DSP protein. Computational prediction suggests that this variant may not impact protein structure and function (internally defined REVEL score threshold <= 0.5, PMID: 27666373). To our knowledge, functional studies have not been reported for this variant. This variant has not been reported in individuals affected with DSP-related disorders in the literature. This variant has been identified in 5/249782 chromosomes in the general population by the Genome Aggregation Database (gnomAD). The available evidence is insufficient to determine the role of this variant in disease conclusively. Therefore, this variant is classified as a Variant of Uncertain Significance.

Ambry Genetics
Classification: Uncertain significance for Cardiovascular phenotype. Last evaluated: 2018-09-21. Review status: criteria provided, single submitter. Criteria: Ambry Variant Classification Scheme 2023. Collection method: clinical testing. Allele origin: germline.
Comment: The p.D1491N variant (also known as c.4471G>A), located in coding exon 23 of the DSP gene, results from a G to A substitution at nucleotide position 4471. The aspartic acid at codon 1491 is replaced by asparagine, an amino acid with highly similar properties. This amino acid position is poorly conserved in available vertebrate species. In addition, this alteration is predicted to be tolerated by in silico analysis. Since supporting evidence is limited at this time, the clinical significance of this alteration remains unclear.